The following is an entry in ClinVar:

ClinVar aggregate classification (germline): Likely pathogenic (1 of 4 stars; one submission).

Submission:

Labcorp Genetics (formerly Invitae), Labcorp
Classification: Likely pathogenic. Last evaluated: 2024-01-06. Review status: criteria provided, single submitter. Criteria: Invitae Variant Classification Sherloc (09022015). Collection method: clinical testing. Allele origin: germline.
Comment: This sequence change affects an acceptor splice site in intron 18 of the COL4A1 gene. It is expected to disrupt RNA splicing. Variants that disrupt the donor or acceptor splice site typically lead to a loss of protein function (PMID: 16199547), and loss-of-function variants in COL4A1 are known to be pathogenic (PMID: 23225343). This variant is not present in population databases (gnomAD no frequency). This variant has not been reported in the literature in individuals affected with COL4A1-related conditions. Algorithms developed to predict the effect of sequence changes on RNA splicing suggest that this variant may disrupt the consensus splice site. In summary, the currently available evidence indicates that the variant is pathogenic, but additional data are needed to prove that conclusively. Therefore, this variant has been classified as Likely Pathogenic.

Literature cited by the submitters: PubMed 16199547; PubMed 23225343.

NM_001845.6(COL4A1):c.1000-2A>G

Gene: COL4A1 (collagen type IV alpha 1 chain; minus strand). Cytogenetic location: 13q34.
Variant type: single nucleotide variant.
Coding change: c.1000-2A>G on transcript NM_001845.6 (MANE Select); the canonical splice acceptor site of the intron before coding-DNA position 1000, A replaced by G.
Molecular consequence: splice acceptor variant.
Genome position (GRCh38, 1-based): chr13:110,201,524, T>C on the plus strand (A>G on the coding strand, the complement: COL4A1 is on the minus strand). VCF-style: chr13-110201524-T-C. GRCh37 (hg19) VCF-style: chr13-110853871-T-C.
Other names: c.1000-2A>G (NM_001303110.2).
Identifiers: ClinVar variation 2699401 (VCV002699401.3), dbSNP rs2501569133, ClinGen allele CA388724495.